The following is an entry in ClinVar:

NM_001374828.1(ARID1B):c.1211GAG[14] (p.Gly411_Ala412insGlyGlyGlyGlyGlyGly)

Gene: ARID1B (AT-rich interaction domain 1B; plus strand). Cytogenetic location: 6q25.3.
Variant type: Microsatellite.
Coding change: c.1211GAG[14] on transcript NM_001374828.1 (MANE Select); 14 copies in a row of the 3-base unit GAG starting at c.1211; the reference has eight copies in a row; six copies, 18 bases duplicated.
Protein change: p.Gly411_Ala412insGlyGlyGlyGlyGlyGly.
Molecular consequence: inframe insertion. On other transcripts: inframe indel (3).
Genome position (GRCh38, 1-based): chr6:156,778,897-156,778,914, GAGGAGGAGGAGGAGGAG duplicated; duplicating any 18 consecutive bases within chr6:156,778,890-156,778,914 gives the same sequence; the position shown is the placement nearest the transcript's 3' end. VCF-style (leftmost placement, unchanged base first): chr6-156778889-C-CGGAGGAGGAGGAGGAGGA. GRCh37 (hg19) VCF-style: chr6-157100023-C-CGGAGGAGGAGGAGGAGGA.
Other names: c.962_964GAG[14], p.Gly328_Ala329insGlyGlyGlyGlyGlyGly (NM_001346813.1, NM_020732.3); c.1211GAG[14], p.Gly411_Ala412insGlyGlyGlyGlyGlyGly (NM_001371656.1, NM_001374820.1, NM_017519.3); c.788_790GAG[14], p.Gly270_Ala271insGlyGlyGlyGlyGlyGly (NM_175863.2).
Identifiers: ClinVar variation 2145798 (VCV002145798.4), dbSNP rs747790383, ClinGen allele CA2580615805.

ClinVar aggregate classification (germline): Uncertain significance (1 of 4 stars; one submission).

Submission:

Labcorp Genetics (formerly Invitae), Labcorp
Classification: Uncertain significance. Last evaluated: 2025-11-03. Review status: criteria provided, single submitter. Criteria: Invitae Variant Classification Sherloc (09022015). Collection method: clinical testing. Allele origin: germline.
Comment: This variant, c.968_985dup, results in the insertion of 6 amino acid(s) of the ARID1B protein (p.Gly323_Gly328dup), but otherwise preserves the integrity of the reading frame. This variant is not present in population databases (gnomAD no frequency). This variant has not been reported in the literature in individuals affected with ARID1B-related conditions. Experimental studies and prediction algorithms are not available or were not evaluated, and the functional significance of this variant is currently unknown. In summary, the available evidence is currently insufficient to determine the role of this variant in disease. Therefore, it has been classified as a Variant of Uncertain Significance.